The following is an entry in ClinVar:

ClinVar aggregate classification (germline): Uncertain significance (1 of 4 stars; one submission).

Conditions:
Drash syndrome (DDS). Also called: WILMS TUMOR AND PSEUDO- OR TRUE HERMAPHRODITISM; NEPHROPATHY, WILMS TUMOR, AND GENITAL ANOMALIES. Identifiers: Orphanet 220, MedGen C0950121, MONDO:0008682, OMIM 194080.
Frasier syndrome. Identifiers: Orphanet 347, MedGen C0950122, MeSH D052159, MONDO:0007635, OMIM 136680.
Wilms tumor 1 (WT1). Also called: Wilms tumor, somatic. Identifiers: Orphanet 654, MedGen CN033288, MONDO:0008679, OMIM 194070.
11p partial monosomy syndrome (WAGR). Also called: CHROMOSOME 11p13 DELETION SYNDROME; WAGR Complex; WAGR syndrome; WAGR Spectrum Disorder. Identifiers: Orphanet 893, MedGen C0206115, MONDO:0008681, OMIM 194072.

Allele frequency attached by ClinVar (database versions not stated): gnomAD exomes below 0.00001; TOPMed below 0.00001.
gnomAD v4.1: 3 of 1,614,150 alleles (0.00019%); highest among the groups gnomAD compares: South Asian, 0.0022%; no homozygotes.

Submission:

Labcorp Genetics (formerly Invitae), Labcorp
Classification: Uncertain significance for Wilms tumor 1; Drash syndrome; 11p partial monosomy syndrome; Frasier syndrome. Last evaluated: 2019-12-16. Review status: criteria provided, single submitter. Criteria: Invitae Variant Classification Sherloc (09022015). Collection method: clinical testing. Allele origin: germline.
Comment: In summary, the available evidence is currently insufficient to determine the role of this variant in disease. Therefore, it has been classified as a Variant of Uncertain Significance. Algorithms developed to predict the effect of missense changes on protein structure and function output the following: SIFT: "Deleterious"; PolyPhen-2: "Benign"; Align-GVGD: "Class C0". The threonine amino acid residue is found in multiple mammalian species, suggesting that this missense change does not adversely affect protein function. These predictions have not been confirmed by published functional studies and their clinical significance is uncertain. This variant has not been reported in the literature in individuals with WT1-related conditions. This variant is not present in population databases (ExAC no frequency). This sequence change replaces alanine with threonine at codon 382 of the WT1 protein (p.Ala382Thr). The alanine residue is highly conserved and there is a small physicochemical difference between alanine and threonine.

NM_024426.6(WT1):c.1159G>A (p.Ala387Thr)

Gene: WT1 (WT1 transcription factor; minus strand). Cytogenetic location: 11p13.
Variant type: single nucleotide variant.
Coding change: c.1159G>A on transcript NM_024426.6 (MANE Select); coding-DNA position 1159, G replaced by A.
Protein change: p.Ala387Thr; replaces alanine 387 with threonine.
Molecular consequence: missense variant. On other transcripts: 5 prime UTR variant (1), non-coding transcript variant (1).
Genome position (GRCh38, 1-based): chr11:32,396,362, C>T on the plus strand (G>A on the coding strand, the complement: WT1 is on the minus strand). VCF-style: chr11-32396362-C-T. GRCh37 (hg19) VCF-style: chr11-32417908-C-T.
Other names: c.1108G>A, p.Ala370Thr (NM_000378.6, NM_001407045.1, NM_001407048.1 and 1 more transcripts); c.508G>A, p.Ala170Thr (NM_001198551.2); c.457G>A, p.Ala153Thr (NM_001198552.2); c.-30G>A (NM_001367854.1); c.1153G>A, p.Ala385Thr (NM_001407044.1); c.1159G>A, p.Ala387Thr (NM_001407046.1, NM_024424.5); c.1036G>A, p.Ala346Thr (NM_001407047.1); c.985G>A, p.Ala329Thr (NM_001407050.1); and 2 more; short protein forms A170T, A370T, A153T, A387T, A133T, A365T, A385T, A329T.
Identifiers: ClinVar variation 863962 (VCV000863962.11), dbSNP rs1412336417, ClinGen allele CA379960005.